The following is an entry in ClinVar:

NM_000047.3(ARSL):c.1300G>A (p.Gly434Ser)

Gene: ARSL (arylsulfatase L; minus strand). Cytogenetic location: Xp22.33.
Variant type: single nucleotide variant.
Coding change: c.1300G>A on transcript NM_000047.3 (MANE Select); coding-DNA position 1300, G replaced by A.
Protein change: p.Gly434Ser; replaces glycine 434 with serine.
Molecular consequence: missense variant.
Genome position (GRCh38, 1-based): chrX:2,936,853, C>T on the plus strand (G>A on the coding strand, the complement: ARSL is on the minus strand). VCF-style: chrX-2936853-C-T. GRCh37 (hg19) VCF-style: chrX-2854894-C-T.
Other names: c.1375G>A, p.Gly459Ser (NM_001282628.2, NM_001369080.1); c.1138G>A, p.Gly380Ser (NM_001282631.2); c.1327G>A, p.Gly443Ser (NM_001369079.1); short protein forms G434S, G443S, G459S, G380S.
Identifiers: ClinVar variation 279691 (VCV000279691.2), dbSNP rs886041134, ClinGen allele CA10603721.
Genomic context (GRCh38, chrX:2,936,853, plus strand): 5'-TCAGGAACTCGTGGTCTGAGTGTTGGGCTGTCCCCAGGAGCAAGGGCAGAAGGTCTTGGC[C>T]GTCAATCACTCTGCAGGAAGGAACATGGCATGGCTCAGGGTTGGAACAGGGACTCTGGAC-3'
Protein context (NP_000038.2, residues 424-444): GEVPQDRVID[Gly434Ser]QDLLPLLLGT

ClinVar aggregate classification (germline): Pathogenic (1 of 4 stars; one submission).

gnomAD v4.1: 1 of 1,211,529 alleles (0.000083%); no homozygotes.

Submission:

GeneDx
Classification: Pathogenic. Last evaluated: 2016-04-13. Review status: criteria provided, single submitter. Criteria: GeneDx Variant Classification (06012015). Collection method: clinical testing. Allele origin: germline. Affected: yes.
Comment: G434S has been reported in association with X-linked chondrodysplasia punctata (Matos-Miranda et al, 2013). The G434S variant was not observed in approximately 6,500 individuals of European and African American ancestry in the NHLBI Exome Sequencing Project, indicating it is not a common benign variant in these populations. This variant represents a non-conservative amino acid change at a position that is conserved across sulfatases and in silico analysis predicts this variant is probably damaging to the protein structure/function. Functional studies have shown that G434S has reduced or absent activity levels compared to the normal gene product (Matos-Miranda et al., 2013). However, a similar nearby missense variant, G424S, also occurs at a highly conserved position and is a common benign polymorphism.